The following is an entry in ClinVar:

NM_000038.6(APC):c.7797A>C (p.Lys2599Asn)

Gene: APC (APC regulator of Wnt signaling pathway; plus strand). Cytogenetic location: 5q22.2.
Variant type: single nucleotide variant.
Coding change: c.7797A>C on transcript NM_000038.6 (MANE Select); coding-DNA position 7797, A replaced by C.
Protein change: p.Lys2599Asn; replaces lysine 2599 with asparagine.
Molecular consequence: missense variant.
Genome position (GRCh38, 1-based): chr5:112,843,391, A>C. VCF-style: chr5-112843391-A-C. GRCh37 (hg19) VCF-style: chr5-112179088-A-C.
Other names: p.K2599N:AAA>AAC; c.7797A>C, p.Lys2599Asn (NM_001127510.3, NM_001354895.2); c.7743A>C, p.Lys2581Asn (NM_001127511.3); c.7851A>C, p.Lys2617Asn (NM_001354896.2); c.7827A>C, p.Lys2609Asn (NM_001354897.2); c.7722A>C, p.Lys2574Asn (NM_001354898.2); c.7713A>C, p.Lys2571Asn (NM_001354899.2); c.7674A>C, p.Lys2558Asn (NM_001354900.2); and 6 more; short protein forms K2581N, K2599N, K2473N, K2558N, K2609N, K2498N, K2508N, K2316N.
Identifiers: ClinVar variation 181826 (VCV000181826.28), dbSNP rs730881267, ClinGen allele CA014071.

ClinVar aggregate classification (germline): Uncertain significance. Review status: criteria provided, multiple submitters, no conflicts (2 of 4 stars). 8 submissions from 8 submitters: Uncertain significance (8). Last evaluated 2026-01-14.

Conditions:
Classic or attenuated familial adenomatous polyposis. Identifiers: MedGen CN372698, MONDO:0021057.
Hereditary cancer-predisposing syndrome. Also called: Tumor predisposition; Hereditary Cancer Syndrome; Hereditary neoplastic syndrome; Neoplastic Syndromes, Hereditary. Identifiers: Orphanet 140162, MedGen C0027672, MeSH D009386, MONDO:0015356.
Familial adenomatous polyposis 1 (FAP1). Also called: FAMILIAL ADENOMATOUS POLYPOSIS 1, ATTENUATED; POLYPOSIS, ADENOMATOUS INTESTINAL. Identifiers: MedGen C2713442, MONDO:0021056, OMIM 175100. Disease mechanism: loss of function.

Allele frequency attached by ClinVar (database versions not stated): gnomAD 0.00001; ExAC 0.00002; gnomAD exomes 0.00002.
gnomAD v4.1: 30 of 1,613,450 alleles (0.0019%); highest among the groups gnomAD compares: Admixed American, 0.0033%; no homozygotes.

Submissions (8):

Labcorp Genetics (formerly Invitae), Labcorp
Classification: Uncertain significance for Familial adenomatous polyposis 1. Last evaluated: 2026-01-14. Review status: criteria provided, single submitter. Criteria: Invitae Variant Classification Sherloc (09022015). Collection method: clinical testing. Allele origin: germline.
Comment: This sequence change replaces lysine, which is basic and polar, with asparagine, which is neutral and polar, at codon 2599 of the APC protein (p.Lys2599Asn). This variant is present in population databases (rs730881267, gnomAD 0.006%). This missense change has been observed in individual(s) with undergoing cancer panel testing (PMID: 25186627, 25980754, 27425854). ClinVar contains an entry for this variant (Variation ID: 181826). Invitae Evidence Modeling of protein sequence and biophysical properties (such as structural, functional, and spatial information, amino acid conservation, physicochemical variation, residue mobility, and thermodynamic stability) indicates that this missense variant is not expected to disrupt APC protein function with a negative predictive value of 95%. In summary, the available evidence is currently insufficient to determine the role of this variant in disease. Therefore, it has been classified as a Variant of Uncertain Significance.

Molecular Pathology, Peter Maccallum Cancer Centre
Classification: Uncertain significance for Familial adenomatous polyposis 1. Last evaluated: 2025-01-10. Review status: criteria provided, single submitter. Criteria: ACMG Guidelines, 2015. Collection method: clinical testing. Allele origin: germline. Inheritance: Autosomal dominant inheritance.

Ambry Genetics
Classification: Uncertain significance for Hereditary cancer-predisposing syndrome. Last evaluated: 2024-12-20. Review status: criteria provided, single submitter. Criteria: Ambry Variant Classification Scheme 2023. Collection method: clinical testing. Allele origin: germline.
Comment: The p.K2599N variant (also known as c.7797A>C), located in coding exon 15 of the APC gene, results from an A to C substitution at nucleotide position 7797. The lysine at codon 2599 is replaced by asparagine, an amino acid with similar properties. This variant was observed in an individual with early onset-breast cancer amongst a cohort of 1781 non-Ashkenazi Jewish individuals undergoing BRCA1/2 gene testing based on a personal history of breast cancer (Tung N et al. Cancer, 2015 Jan;121:25-33). This amino acid position is well conserved in available vertebrate species. In addition, in silico predictors for this gene do not accurately predict pathogenicity. Missense alterations in APC are not a common cause of disease (Spier I et al. Genet Med. 2024 Feb;26(2):100992). Based on the available evidence, the clinical significance of this variant remains unclear.

GeneDx
Classification: Uncertain significance. Last evaluated: 2024-05-23. Review status: criteria provided, single submitter. Criteria: GeneDx Variant Classification Process June 2021. Collection method: clinical testing. Allele origin: germline. Affected: yes.
Comment: Not observed at significant frequency in large population cohorts (gnomAD); In silico analysis indicates that this missense variant does not alter protein structure/function; This variant is associated with the following publications: (PMID: 25980754, 27425854, 18199528, 25186627)

All of Us Research Program, National Institutes of Health
Classification: Uncertain significance for Classic or attenuated familial adenomatous polyposis. Last evaluated: 2024-04-25. Review status: criteria provided, single submitter. Criteria: ACMG Guidelines, 2015. Collection method: clinical testing. Allele origin: germline. Inheritance: Autosomal dominant inheritance. Observed: 5 variant alleles, 5 heterozygotes.
Comment: This missense variant replaces lysine with asparagine at codon 2599 of the APC protein. Computational prediction suggests that this variant may not impact protein structure and function (internally defined REVEL score threshold <= 0.5, PMID: 27666373). To our knowledge, functional studies have not been reported for this variant. This variant has been reported in an individual with a history of Lynch syndrome-associated cancer and/or polyps (PMID: 25980754). This variant has been identified in 5/250414 chromosomes in the general population by the Genome Aggregation Database (gnomAD). The available evidence is insufficient to determine the role of this variant in disease conclusively. Therefore, this variant is classified as a Variant of Uncertain Significance.

This study involves interpretation of variants in research participants for the purpose of population health screening. Participant phenotype was not available at the time of variant classification. Additional details can be found in publication PMID: 35346344, PMCID: PMC8962531

Color Diagnostics, LLC DBA Color Health
Classification: Uncertain significance for Hereditary cancer-predisposing syndrome. Last evaluated: 2024-04-10. Review status: criteria provided, single submitter. Criteria: ACMG Guidelines, 2015. Collection method: clinical testing. Allele origin: germline.
Comment: This missense variant replaces lysine with asparagine at codon 2599 of the APC protein. Computational prediction suggests that this variant may not impact protein structure and function (internally defined REVEL score threshold <= 0.5, PMID: 27666373). To our knowledge, functional studies have not been reported for this variant. This variant has been reported in an individual with a history of Lynch syndrome-associated cancer and/or polyps (PMID: 25980754). This variant has been identified in 5/250414 chromosomes in the general population by the Genome Aggregation Database (gnomAD). The available evidence is insufficient to determine the role of this variant in disease conclusively. Therefore, this variant is classified as a Variant of Uncertain Significance.

Blueprint Genetics
Classification: Uncertain significance. Last evaluated: 2024-02-09. Review status: criteria provided, single submitter. Criteria: ACMG Guidelines, 2015. Collection method: clinical testing. Allele origin: germline.

Quest Diagnostics Nichols Institute San Juan Capistrano
Classification: Uncertain significance. Last evaluated: 2023-05-16. Review status: criteria provided, single submitter. Criteria: Quest Diagnostics criteria. Collection method: clinical testing. Allele origin: unknown.
Comment: In the published literature, this variant has been reported in an individual with suspected Lynch syndrome (PMID: 25980754 (2015)) and an individual with early onset breast cancer (PMID: 25186627 (2015)). The frequency of this variant in the general population, 0.00002 (5/250414 chromosomes (Genome Aggregation Database)), is uninformative in the assessment of its pathogenicity. Analysis of this variant using bioinformatics tools for the prediction of the effect of amino acid changes on protein structure and function yielded predictions that this variant is benign. Based on the available information, we are unable to determine the clinical significance of this variant.

Literature cited by the submitters: PubMed 25186627 (cited by 3 submitters); PubMed 25980754 (cited by 4 submitters); PubMed 27425854 (cited by Labcorp Genetics (formerly Invitae), Labcorp and Quest Diagnostics Nichols Institute San Juan Capistrano).